The following is an entry in ClinVar:

ClinVar aggregate classification (germline): Uncertain significance (1 of 4 stars; one submission).

Submission:

Labcorp Genetics (formerly Invitae), Labcorp
Classification: Uncertain significance. Last evaluated: 2022-08-09. Review status: criteria provided, single submitter. Criteria: Invitae Variant Classification Sherloc (09022015). Collection method: clinical testing. Allele origin: germline.
Comment: In summary, the available evidence is currently insufficient to determine the role of this variant in disease. Therefore, it has been classified as a Variant of Uncertain Significance. Algorithms developed to predict the effect of missense changes on protein structure and function are either unavailable or do not agree on the potential impact of this missense change (SIFT: "Deleterious"; PolyPhen-2: "Benign"; Align-GVGD: "Class C0"). This variant has not been reported in the literature in individuals affected with OBSL1-related conditions. This variant is not present in population databases (gnomAD no frequency). This sequence change replaces alanine, which is neutral and non-polar, with threonine, which is neutral and polar, at codon 86 of the OBSL1 protein (p.Ala86Thr).

NM_015311.3(OBSL1):c.256G>A (p.Ala86Thr)

Gene: OBSL1 (obscurin like cytoskeletal adaptor 1; minus strand). Cytogenetic location: 2q35.
Variant type: single nucleotide variant.
Coding change: c.256G>A on transcript NM_015311.3 (MANE Select); coding-DNA position 256, G replaced by A.
Protein change: p.Ala86Thr; replaces alanine 86 with threonine.
Molecular consequence: missense variant.
Genome position (GRCh38, 1-based): chr2:219,570,977, C>T on the plus strand (G>A on the coding strand, the complement: OBSL1 is on the minus strand). VCF-style: chr2-219570977-C-T. GRCh37 (hg19) VCF-style: chr2-220435699-C-T.
Other names: c.256G>A, p.Ala86Thr (NM_001173408.2, NM_001173431.2); short protein forms A86T.
Identifiers: ClinVar variation 1351809 (VCV001351809.8), dbSNP rs1198788222, ClinGen allele CA350765986.